The following is an entry in ClinVar:

NM_003737.4(DCHS1):c.5671A>T (p.Thr1891Ser)

Gene: DCHS1 (dachsous cadherin-related 1; minus strand). Cytogenetic location: 11p15.4.
Variant type: single nucleotide variant.
Coding change: c.5671A>T on transcript NM_003737.4 (MANE Select); coding-DNA position 5671, A replaced by T.
Protein change: p.Thr1891Ser; replaces threonine 1891 with serine.
Molecular consequence: missense variant.
Genome position (GRCh38, 1-based): chr11:6,627,368, T>A on the plus strand (A>T on the coding strand, the complement: DCHS1 is on the minus strand). VCF-style: chr11-6627368-T-A. GRCh37 (hg19) VCF-style: chr11-6648599-T-A.
Other names: short protein forms T1891S.
Identifiers: ClinVar variation 951937 (VCV000951937.9), dbSNP rs1855826554, ClinGen allele CA379393488.

ClinVar aggregate classification (germline): Uncertain significance (1 of 4 stars; one submission).

Submission:

Labcorp Genetics (formerly Invitae), Labcorp
Classification: Uncertain significance. Last evaluated: 2019-05-08. Review status: criteria provided, single submitter. Criteria: Invitae Variant Classification Sherloc (09022015). Collection method: clinical testing. Allele origin: germline.
Comment: In summary, the available evidence is currently insufficient to determine the role of this variant in disease. Therefore, it has been classified as a Variant of Uncertain Significance. Algorithms developed to predict the effect of missense changes on protein structure and function (SIFT, PolyPhen-2, Align-GVGD) all suggest that this variant is likely to be tolerated, but these predictions have not been confirmed by published functional studies and their clinical significance is uncertain. This variant has not been reported in the literature in individuals with DCHS1-related conditions. This variant is not present in population databases (ExAC no frequency). This sequence change replaces threonine with serine at codon 1891 of the DCHS1 protein (p.Thr1891Ser). The threonine residue is moderately conserved and there is a small physicochemical difference between threonine and serine.